The following is an entry in ClinVar:

ClinVar aggregate classification (germline): Uncertain significance (1 of 4 stars; one submission).

Conditions:
Developmental and epileptic encephalopathy, 33 (DEE33). Also called: Epileptic encephalopathy, early infantile, 33. Identifiers: Orphanet 442835, MedGen C4225337, MONDO:0014625, OMIM 616409.

Submission:

Labcorp Genetics (formerly Invitae), Labcorp
Classification: Uncertain significance for Developmental and epileptic encephalopathy, 33. Last evaluated: 2023-05-27. Review status: criteria provided, single submitter. Criteria: Invitae Variant Classification Sherloc (09022015). Collection method: clinical testing. Allele origin: germline.
Comment: In summary, the available evidence is currently insufficient to determine the role of this variant in disease. Therefore, it has been classified as a Variant of Uncertain Significance. Advanced modeling of protein sequence and biophysical properties (such as structural, functional, and spatial information, amino acid conservation, physicochemical variation, residue mobility, and thermodynamic stability) performed at Invitae indicates that this missense variant is not expected to disrupt EEF1A2 protein function. This variant has not been reported in the literature in individuals affected with EEF1A2-related conditions. This variant is not present in population databases (gnomAD no frequency). This sequence change replaces lysine, which is basic and polar, with asparagine, which is neutral and polar, at codon 79 of the EEF1A2 protein (p.Lys79Asn).

NM_001958.5(EEF1A2):c.237G>T (p.Lys79Asn)

Gene: EEF1A2 (eukaryotic translation elongation factor 1 alpha 2; minus strand). Cytogenetic location: 20q13.33.
Variant type: single nucleotide variant.
Coding change: c.237G>T on transcript NM_001958.5 (MANE Select); coding-DNA position 237, G replaced by T.
Protein change: p.Lys79Asn; replaces lysine 79 with asparagine.
Molecular consequence: missense variant.
Genome position (GRCh38, 1-based): chr20:63,495,943, C>A on the plus strand (G>T on the coding strand, the complement: EEF1A2 is on the minus strand). VCF-style: chr20-63495943-C-A. GRCh37 (hg19) VCF-style: chr20-62127296-C-A.
Other names: short protein forms K79N.
Identifiers: ClinVar variation 2734961 (VCV002734961.3), dbSNP rs61737389, ClinGen allele CA409651443.